The following is an entry in ClinVar:

ClinVar aggregate classification (germline): Likely pathogenic (1 of 4 stars; one submission).

Conditions:
Proximal myopathy with extrapyramidal signs. Also called: Myopathy with extrapyramidal signs. Identifiers: Orphanet 401768, MedGen C3810285, MONDO:0014300, OMIM 615673.

Submission:

Wales Gene Park, Division Of Cancer and Genetics, Cardiff University
Classification: Likely pathogenic for Proximal myopathy with extrapyramidal signs. Last evaluated: 2026-04-28. Review status: criteria provided, single submitter. Criteria: ACGS Best Practice Guidelines for Variant Classification in Rare Disease 2024. Collection method: research. Allele origin: inherited. Inheritance: Autosomal recessive inheritance. Affected: yes. Study: 100,000 Genomes Project (Wales).
Comment: Inherited 4,661 bp duplication in MICU1 detected by trio genome sequencing. Causes duplication of MICU1 exon 11 (NM_006077.3). Found in trans to a pathogenic allele (GRCh38(chr10):g.72528587_72554246del). Evidence codes: PM2, PM3, PVS1_strong.

NM_001195518.2(MICU1):c.1072-357_1180+4195dup

Gene: MICU1 (mitochondrial calcium uptake 1; minus strand). Cytogenetic location: 10q22.1.
Variant type: Duplication.
Coding change: c.1072-357_1180+4195dup on transcript NM_001195518.2 (MANE Select); 357 bases into the intron before coding-DNA position 1072 through 4195 bases into the intron after coding-DNA position 1180, 4,661 bases duplicated.
Molecular consequence: splice acceptor variant, splice donor variant.
Genome position (GRCh38, 1-based): chr10:72,403,734-72,408,394, 4,661 bases duplicated. GRCh37 (hg19): chr10:74,163,492-74,168,152.
Other names: c.739-357_847+4195dup (NM_001441228.1); c.973-357_1081+4195dup (NM_001441226.1); c.676-357_784+4195dup (NM_001441229.1); c.949-357_1057+4195dup (NM_001441227.1); c.388-357_496+4195dup (NM_001441233.1, NM_001441232.1); c.1060-357_1168+4195dup (NM_001441224.1); c.1072-357_1180+4195dup (NM_001441225.1, NM_001441223.1, NM_001441220.1 and 2 more transcripts); c.478-357_586+4195dup (NM_001441231.1, NM_001195519.2); and 5 more.
Identifiers: ClinVar variation 4880197 (VCV004880197.1).